The following is an entry in ClinVar:

NM_001278116.2(L1CAM):c.1541T>G (p.Val514Gly)

Gene: L1CAM (L1 cell adhesion molecule; minus strand). Cytogenetic location: Xq28.
Variant type: single nucleotide variant.
Coding change: c.1541T>G on transcript NM_001278116.2 (MANE Select); coding-DNA position 1541, T replaced by G.
Protein change: p.Val514Gly; replaces valine 514 with glycine.
Molecular consequence: missense variant.
Genome position (GRCh38, 1-based): chrX:153,868,566, A>C on the plus strand (T>G on the coding strand, the complement: L1CAM is on the minus strand). VCF-style: chrX-153868566-A-C. GRCh37 (hg19) VCF-style: chrX-153134021-A-C.
Other names: c.1541T>G, p.Val514Gly (NM_000425.5, NM_024003.3); c.1526T>G, p.Val509Gly (NM_001143963.2); short protein forms V509G, V514G.
Identifiers: ClinVar variation 4851435 (VCV004851435.1).

ClinVar aggregate classification (germline): Uncertain significance (1 of 4 stars; one submission).

Conditions:
MASA syndrome. Also called: ADDUCTED THUMB WITH MENTAL RETARDATION; CLASPED THUMB AND MENTAL RETARDATION; GAREIS-MASON SYNDROME; MENTAL RETARDATION, APHASIA, SHUFFLING GAIT, AND ADDUCTED THUMBS; CRASH syndrome; SPASTIC PARAPLEGIA 1, X-LINKED. Identifiers: Orphanet 2466, MedGen C0795953, MONDO:0010559, OMIM 303350.
X-linked hydrocephalus syndrome (HYCX). Also called: AQUEDUCTAL STENOSIS, X-LINKED; X-Linked Hydrocephalus with Stenosis of the Aqueduct of Sylvius; X-linked hydrocephalus; X-Linked Hydrocephalus with Stenosis of the Aqueduct of Sylvius (HSAS); HYDROCEPHALUS, CONGENITAL, X-LINKED. Identifiers: Orphanet 2182, MedGen C0265216, MONDO:0010611, OMIM 307000.
X-linked complicated corpus callosum dysgenesis. Also called: X-Linked Complicated Corpus Callosum Agenesis. Identifiers: Orphanet 1497, MedGen C1839909, MONDO:0010569, OMIM 304100.

Submission:

Institute of Immunology and Genetics Kaiserslautern
Classification: Uncertain significance for X-linked hydrocephalus syndrome; X-linked complicated corpus callosum dysgenesis; MASA syndrome. Last evaluated: 2025-10-13. Review status: criteria provided, single submitter. Criteria: ACMG Guidelines, 2015. Collection method: clinical testing. Allele origin: maternal. Affected: yes.
Comment: ACMG Criteria: PM2_P; PP3; Variant was found in heterozygous state.